The following is an entry in ClinVar:

NR_003051.4(RMRP):n.215C>A

Gene: RMRP (RNA component of mitochondrial RNA processing endoribonuclease; minus strand). Cytogenetic location: 9p13.3.
Variant type: single nucleotide variant.
Molecular consequence: non-coding transcript variant (on NR_003051.4).
Genome position: GRCh38 VCF-style: chr9-35657805-G-T. GRCh37 (hg19) VCF-style: chr9-35657802-G-T.
Identifiers: ClinVar variation 3730686 (VCV003730686.2).

ClinVar aggregate classification (germline): Uncertain significance (1 of 4 stars; one submission).

Conditions:
Anauxetic dysplasia. Identifiers: Orphanet 93347, MedGen C1846796, MONDO:0011773.

gnomAD v4.1: 2 of 700,130 alleles (0.00029%); highest among the groups gnomAD compares: African/African-American, 0.0035%; no homozygotes.

Submission:

Labcorp Genetics (formerly Invitae), Labcorp
Classification: Uncertain significance for Anauxetic dysplasia. Last evaluated: 2024-10-17. Review status: criteria provided, single submitter. Criteria: Invitae Variant Classification Sherloc (09022015). Collection method: clinical testing. Allele origin: germline.
Comment: This variant occurs in the RMRP gene, which encodes an RNA molecule that does not result in a protein product. This variant is present in population databases (no rsID available, gnomAD 0.01%). This variant has not been reported in the literature in individuals affected with RMRP-related conditions. Experimental studies and prediction algorithms are not available or were not evaluated, and the functional significance of this variant is currently unknown. In summary, the available evidence is currently insufficient to determine the role of this variant in disease. Therefore, it has been classified as a Variant of Uncertain Significance.